The following is an entry in ClinVar:

NM_004260.4(RECQL4):c.1760C>T (p.Ala587Val)

Gene: RECQL4 (RecQ like helicase 4; minus strand). Cytogenetic location: 8q24.3.
Variant type: single nucleotide variant.
Coding change: c.1760C>T on transcript NM_004260.4 (MANE Select); coding-DNA position 1760, C replaced by T.
Protein change: p.Ala587Val; replaces alanine 587 with valine.
Molecular consequence: missense variant.
Genome position (GRCh38, 1-based): chr8:144,514,307, G>A on the plus strand (C>T on the coding strand, the complement: RECQL4 is on the minus strand). VCF-style: chr8-144514307-G-A. GRCh37 (hg19) VCF-style: chr8-145739691-G-A.
Other names: short protein forms A587V.
Identifiers: ClinVar variation 937488 (VCV000937488.6), dbSNP rs747307935, ClinGen allele CA4948669.

ClinVar aggregate classification (germline): Uncertain significance (1 of 4 stars; one submission).

Conditions:
Baller-Gerold syndrome (BGS). Also called: CRANIOSYNOSTOSIS WITH RADIAL DEFECTS. Identifiers: Orphanet 1225, MedGen C0265308, MONDO:0009039, OMIM 218600.

Allele frequency attached by ClinVar (database versions not stated): gnomAD 0.00001; ExAC 0.00003.
gnomAD v4.1: 13 of 1,609,380 alleles (0.00081%); highest among the groups gnomAD compares: East Asian, 0.0022%; no homozygotes.

Submission:

Labcorp Genetics (formerly Invitae), Labcorp
Classification: Uncertain significance for Baller-Gerold syndrome. Last evaluated: 2025-04-17. Review status: criteria provided, single submitter. Criteria: Invitae Variant Classification Sherloc (09022015). Collection method: clinical testing. Allele origin: germline.
Comment: This sequence change replaces alanine, which is neutral and non-polar, with valine, which is neutral and non-polar, at codon 587 of the RECQL4 protein (p.Ala587Val). This variant is present in population databases (rs747307935, gnomAD 0.0009%). This variant has not been reported in the literature in individuals affected with RECQL4-related conditions. ClinVar contains an entry for this variant (Variation ID: 937488). Invitae Evidence Modeling of protein sequence and biophysical properties (such as structural, functional, and spatial information, amino acid conservation, physicochemical variation, residue mobility, and thermodynamic stability) indicates that this missense variant is not expected to disrupt RECQL4 protein function with a negative predictive value of 80%. In summary, the available evidence is currently insufficient to determine the role of this variant in disease. Therefore, it has been classified as a Variant of Uncertain Significance.